The following is an entry in ClinVar:

ClinVar aggregate classification (germline): Pathogenic. Review status: criteria provided, multiple submitters, no conflicts (2 of 4 stars). 3 submissions from 3 submitters: Pathogenic (2). 1 of the submissions does not count toward it. Last evaluated 2024-11-20.

Conditions:
Hereditary cancer-predisposing syndrome. Also called: Neoplastic Syndromes, Hereditary; Hereditary Cancer Syndrome; Tumor predisposition; Hereditary neoplastic syndrome. Identifiers: Orphanet 140162, MedGen C0027672, MeSH D009386, MONDO:0015356.
Familial cancer of breast. Also called: Hereditary breast cancer; BREAST CANCER, FAMILIAL; hereditary breast carcinoma. Identifiers: Orphanet 227535, MedGen C0346153, MONDO:0016419, OMIM 114480. Disease mechanism: loss of function.

Submissions (3):

Ambry Genetics
Classification: Pathogenic for Hereditary cancer-predisposing syndrome. Last evaluated: 2024-11-20. Review status: criteria provided, single submitter. Criteria: Ambry Variant Classification Scheme 2023. Collection method: clinical testing. Allele origin: germline.
Comment: The c.5784dupT pathogenic mutation, located in coding exon 38 of the ATM gene, results from a duplication of T at nucleotide position 5784, causing a translational frameshift with a predicted alternate stop codon (p.N1929*). This alteration is expected to result in loss of function by premature protein truncation or nonsense-mediated mRNA decay. As such, this alteration is interpreted as a disease-causing mutation.

Myriad Genetics, Inc.
Classification: Pathogenic for Familial cancer of breast. Last evaluated: 2024-01-26. Review status: criteria provided, single submitter. Criteria: Myriad Autosomal Dominant, Autosomal Recessive and X-Linked Classification Criteria (2023). Collection method: clinical testing. Allele origin: unknown.
Comment: This variant is considered pathogenic. This variant creates a termination codon and is predicted to result in premature protein truncation.

GeneDx
No classification provided. Review status: no classification provided. Criteria: GeneDx Variant Classification (06012015). Collection method: clinical testing. Allele origin: germline. Affected: yes. Not counted in ClinVar's aggregate classification.
Comment: This duplication of one nucleotide is denoted ATM c.5784dupT at the cDNA level and p.Asn1929Ter (N1929X) at the protein level. The normal sequence, with the base that is duplciated in brackets, is ATTTT[T]AATG. The duplication creates a nonsense variant, which changes an Asparagine to a premature stop codon. Although this variant has not been previously reported to our knowledge, it is predicted to cause loss of normal protein function through either protein truncation or nonsense-mediated mRNA decay, and is considered pathogenic.

Literature cited by the submitters: PubMed 26681312 (cited by Ambry Genetics).

NM_000051.4(ATM):c.5784dup (p.Asn1929Ter)

Genes: ATM (ATM serine/threonine kinase; plus strand), C11orf65 (chromosome 11 open reading frame 65; minus strand). Cytogenetic location: 11q22.3.
Variant type: Duplication.
Coding change: c.5784dup on transcript NM_000051.4 (MANE Select); coding-DNA position 5784, one base duplicated (T; older notation c.5784dupT).
Protein change: p.Asn1929Ter; replaces asparagine 1929 with a stop codon.
Molecular consequence: nonsense. On other transcripts: frameshift variant (1), intron variant (2).
Genome position (GRCh38, 1-based): chr11:108,310,181, T duplicated; the last of 5 consecutive T bases (chr11:108,310,177-108,310,181); duplicating any one gives the same sequence. VCF-style (leftmost placement, unchanged base first): chr11-108310176-A-AT. GRCh37 (hg19) VCF-style: chr11-108180903-A-AT.
Other names: c.5784dupT (NM_000051.3); c.5784dup, p.Asn1929Ter (NM_001351834.2); c.641-1106dup (NM_001330368.2); c.*39-1106dup (NM_001351110.2); short protein forms N1929*.
Identifiers: ClinVar variation 429203 (VCV000429203.10), dbSNP rs1131691254, ClinGen allele CA645369432.